The following is an entry in ClinVar:

NM_001322934.2(NFKB2):c.502+22_502+45del

Gene: NFKB2 (nuclear factor kappa B subunit 2; plus strand). Cytogenetic location: 10q24.32.
Variant type: Microsatellite.
Coding change: c.502+22_502+45del on transcript NM_001322934.2 (MANE Select); bases 22 to 45 of the intron after coding-DNA position 502, 24 bases deleted (CGGGTATGGGTGCAGGGGGTGGGT).
Molecular consequence: splice donor variant.
Genome position (GRCh38, 1-based): chr10:102,397,430-102,397,453, CGGGTATGGGTGCAGGGGGTGGGT deleted; deleting any 24 consecutive bases within chr10:102,397,406-102,397,453 gives the same sequence; the c. name uses the placement nearest the transcript's 3' end. VCF-style (leftmost placement, unchanged base first): chr10-102397405-ACGGGTATGGGTGCAGGGGGTGGGT-A. GRCh37 (hg19) VCF-style: chr10-104157162-ACGGGTATGGGTGCAGGGGGTGGGT-A.
Other names: c.502+22_502+45del (NM_001288724.1, NM_001322935.1, NM_001077494.3 and 2 more transcripts).
Identifiers: ClinVar variation 1167848 (VCV001167848.34), ClinGen allele CA5664547.
Genomic context (GRCh38, chr10:102,397,405, plus strand): 5'-ATGGGGACTATGATACAAAAACTTCAGAGGCAGCGGCTCCGCTCTAGGCCCCAGGGCCTT[ACGGGTATGGGTGCAGGGGGTGGGT>A]CGGGTATGGGTGCAGGGGGTGGGTGGGTCATGGGAGGTGCTCATGGAAGGAGCAGGGAGG-3'

ClinVar aggregate classification (germline): Benign/Likely benign. Review status: criteria provided, multiple submitters, no conflicts (2 of 4 stars). 3 submissions from 3 submitters: Benign (2); Likely benign (1). Last evaluated 2026-01-24.

Conditions:
Immunodeficiency, common variable, 10. Also called: DEFICIT IN ANTERIOR PITUITARY FUNCTION AND VARIABLE IMMUNODEFICIENCY; IMMUNODEFICIENCY, COMMON VARIABLE, WITH CENTRAL ADRENAL INSUFFICIENCY. Identifiers: MedGen C3809991, MONDO:0014260, OMIM 615577.

Submissions (3):

Labcorp Genetics (formerly Invitae), Labcorp
Classification: Benign for Immunodeficiency, common variable, 10. Last evaluated: 2026-01-24. Review status: criteria provided, single submitter. Criteria: Invitae Variant Classification Sherloc (09022015). Collection method: clinical testing. Allele origin: germline.

Blueprint Genetics
Classification: Likely benign. Last evaluated: 2024-11-14. Review status: criteria provided, single submitter. Criteria: ACMG Guidelines, 2015. Collection method: clinical testing. Allele origin: germline.

CeGaT Center for Human Genetics Tuebingen
Classification: Benign. Last evaluated: 2022-12-01. Review status: criteria provided, single submitter. Criteria: CeGaT Center For Human Genetics Tuebingen Variant Classification Criteria Version 2. Collection method: clinical testing. Allele origin: germline. Affected: yes. Observed: 1 variant allele.
Comment: NFKB2: BS1, BS2